The following is an entry in ClinVar:

NM_006314.3(CNKSR1):c.1462C>T (p.Arg488Cys)

Gene: CNKSR1 (connector enhancer of kinase suppressor of Ras 1; plus strand). Cytogenetic location: 1p36.11.
Variant type: single nucleotide variant.
Coding change: c.1462C>T on transcript NM_006314.3 (MANE Select); coding-DNA position 1462, C replaced by T.
Protein change: p.Arg488Cys; replaces arginine 488 with cysteine.
Molecular consequence: missense variant.
Genome position (GRCh38, 1-based): chr1:26,188,241, C>T. VCF-style: chr1-26188241-C-T. GRCh37 (hg19) VCF-style: chr1-26514732-C-T.
Other names: c.1483C>T, p.Arg495Cys (NM_001297647.2); c.688C>T, p.Arg230Cys (NM_001297648.2); short protein forms R488C, R495C, R230C.
Identifiers: ClinVar variation 418139 (VCV000418139.2), dbSNP rs144314289, ClinGen allele CA700808.

ClinVar aggregate classification (germline): Uncertain significance (1 of 4 stars; one submission).

Allele frequency attached by ClinVar (database versions not stated): ESP Exome Variant Server 0.00008; TOPMed 0.00008; 1000 Genomes Project 0.00020; gnomAD exomes 0.00021 and 0.00027; ExAC 0.00028; 1000 Genomes Project 30x 0.00031; gnomAD 0.00034 and 0.00036.
gnomAD v4.1: 357 of 1,614,022 alleles (0.022%); highest among the groups gnomAD compares: Non-Finnish European, 0.019%; no homozygotes.

Submission:

GeneDx
Classification: Uncertain significance. Last evaluated: 2016-06-06. Review status: criteria provided, single submitter. Criteria: GeneDx Variant Classification (06012015). Collection method: clinical testing. Allele origin: germline. Affected: yes.
Comment: The R488C variant in the CNKSR1 gene has not been reported previously as a pathogenic variant, nor as a benign variant, to our knowledge. The R488C variant was not observed with any significant frequency in approximately 6,500 individuals of European and African American ancestry in the NHLBI Exome Sequencing Project. The R488C variant is a non-conservative amino acid substitution, which occurs at a position that is not conserved. In silico analysis predicts this variant is probably damaging to the protein structure/function. The R488C variant is a good candidate for a disease-causing mutation, however the possibility it may be a rare benign variant cannot be excluded. We interpret R488C as a variant of uncertain significance.